The following is an entry in ClinVar:

NM_016239.4(MYO15A):c.3844C>T (p.Arg1282Trp)

Gene: MYO15A (myosin XVA; plus strand). Cytogenetic location: 17p11.2.
Variant type: single nucleotide variant.
Coding change: c.3844C>T on transcript NM_016239.4 (MANE Select); coding-DNA position 3844, C replaced by T.
Protein change: p.Arg1282Trp; replaces arginine 1282 with tryptophan.
Molecular consequence: missense variant.
Genome position (GRCh38, 1-based): chr17:18,126,434, C>T. VCF-style: chr17-18126434-C-T. GRCh37 (hg19) VCF-style: chr17-18029748-C-T.
Other names: short protein forms R1282W.
Identifiers: ClinVar variation 449525 (VCV000449525.12), dbSNP rs757155918, ClinGen allele CA8423600.

ClinVar aggregate classification (germline): Uncertain significance. Review status: criteria provided, multiple submitters, no conflicts (2 of 4 stars). 5 submissions from 5 submitters: Uncertain significance (5). Last evaluated 2024-10-16.

Conditions:
Autosomal recessive nonsyndromic hearing loss 3. Also called: NEUROSENSORY NONSYNDROMIC RECESSIVE DEAFNESS 3. Identifiers: Orphanet 90636, MedGen C1838263, MONDO:0010860, OMIM 600316.

Allele frequency attached by ClinVar (database versions not stated): gnomAD 0.00001; ExAC 0.00003; gnomAD exomes 0.00005 and 0.00006; TOPMed 0.00005.
gnomAD v4.1: 75 of 1,613,680 alleles (0.0046%); highest among the groups gnomAD compares: Middle Eastern, 0.016%; no homozygotes.

Submissions (5):

GeneDx
Classification: Uncertain significance. Last evaluated: 2024-10-16. Review status: criteria provided, single submitter. Criteria: GeneDx Variant Classification Process June 2021. Collection method: clinical testing. Allele origin: germline. Affected: yes.
Comment: In silico analysis supports that this missense variant has a deleterious effect on protein structure/function; This variant is associated with the following publications: (PMID: 34325055, 24123792, 35346193, 36401330)

Labcorp Genetics (formerly Invitae), Labcorp
Classification: Uncertain significance. Last evaluated: 2024-06-18. Review status: criteria provided, single submitter. Criteria: Invitae Variant Classification Sherloc (09022015). Collection method: clinical testing. Allele origin: germline.
Comment: This sequence change replaces arginine, which is basic and polar, with tryptophan, which is neutral and slightly polar, at codon 1282 of the MYO15A protein (p.Arg1282Trp). This variant is present in population databases (rs757155918, gnomAD 0.009%). This missense change has been observed in individual(s) with clinical features of MYO15A-related conditions and/or congenital severe hearing loss (PMID: 24123792, 28000701, 31581539, 34325055). ClinVar contains an entry for this variant (Variation ID: 449525). Advanced modeling of protein sequence and biophysical properties (such as structural, functional, and spatial information, amino acid conservation, physicochemical variation, residue mobility, and thermodynamic stability) performed at Invitae indicates that this missense variant is not expected to disrupt MYO15A protein function with a negative predictive value of 95%. In summary, the available evidence is currently insufficient to determine the role of this variant in disease. Therefore, it has been classified as a Variant of Uncertain Significance.

Genomic Medicine Center of Excellence, King Faisal Specialist Hospital and Research Centre
Classification: Uncertain significance for Autosomal recessive nonsyndromic hearing loss 3. Last evaluated: 2024-04-04. Review status: criteria provided, single submitter. Criteria: ACMG Guidelines, 2015. Collection method: clinical testing. Allele origin: germline.

Department of Pathology and Laboratory Medicine, Sinai Health System
Classification: Uncertain significance for Autosomal recessive nonsyndromic hearing loss 3. Last evaluated: 2022-11-30. Review status: criteria provided, single submitter. Criteria: ACMG Guidelines, 2015. Collection method: research. Allele origin: germline.

Illumina Laboratory Services, Illumina
Classification: Uncertain significance for Autosomal recessive nonsyndromic hearing loss 3. Last evaluated: 2018-01-12. Review status: criteria provided, single submitter. Criteria: ICSL Variant Classification Criteria 13 December 2019. Collection method: clinical testing. Allele origin: germline.

Literature cited by the submitters: PubMed 24123792 (cited by Labcorp Genetics (formerly Invitae), Labcorp); PubMed 28000701 (cited by Labcorp Genetics (formerly Invitae), Labcorp); PubMed 31581539 (cited by Labcorp Genetics (formerly Invitae), Labcorp); PubMed 34325055 (cited by Labcorp Genetics (formerly Invitae), Labcorp).